The following is an entry in ClinVar:

NM_001372043.1(PCSK5):c.5395C>T (p.Gln1799Ter)

Gene: PCSK5 (proprotein convertase subtilisin/kexin type 5; plus strand). Cytogenetic location: 9q21.13.
Variant type: single nucleotide variant.
Coding change: c.5395C>T on transcript NM_001372043.1 (MANE Select); coding-DNA position 5395, C replaced by T.
Protein change: p.Gln1799Ter; replaces glutamine 1799 with a stop codon.
Molecular consequence: nonsense.
Genome position (GRCh38, 1-based): chr9:76,358,653, C>T. VCF-style: chr9-76358653-C-T. GRCh37 (hg19) VCF-style: chr9-78973569-C-T.
Other names: c.5314C>T, p.Gln1772Ter (NM_001190482.2); short protein forms Q1772*, Q1799*.
Identifiers: ClinVar variation 4998719 (VCV004998719.1).

ClinVar aggregate classification (germline): Uncertain significance (1 of 4 stars; one submission).

Conditions:
PCSK5-related disorder. Also called: PCSK5-related condition.

Submission:

PreventionGenetics, part of Exact Sciences
Classification: Uncertain significance for PCSK5-related condition. Last evaluated: 2025-03-04. Review status: criteria provided, single submitter. Criteria: ACMG Guidelines, 2015. Collection method: clinical testing. Allele origin: germline.
Comment: The PCSK5 c.5314C>T variant is predicted to result in premature protein termination (p.Gln1772*). To our knowledge, this variant has not been reported in the literature or in a large population database (gnomAD), indicating this variant is rare. At this time, the clinical significance of this variant is uncertain due to the absence of conclusive functional and genetic evidence.